The following is an entry in ClinVar:

NM_001127898.4(CLCN5):c.2318T>C (p.Phe773Ser)

Genes: CLCN5 (Cl-/H+ antiporter 5; plus strand), LOC126863258 (BRD4-independent group 4 enhancer GRCh37_chrX:49854497-49855696; plus strand). Cytogenetic location: Xp11.23.
Variant type: single nucleotide variant.
Coding change: c.2318T>C on transcript NM_001127898.4 (MANE Select); coding-DNA position 2318, T replaced by C.
Protein change: p.Phe773Ser; replaces phenylalanine 773 with serine.
Molecular consequence: missense variant. On other transcripts: non-coding transcript variant (1).
Genome position (GRCh38, 1-based): chrX:50,090,844, T>C. VCF-style: chrX-50090844-T-C. GRCh37 (hg19) VCF-style: chrX-49855501-T-C.
Other names: c.2108T>C, p.Phe703Ser (NM_000084.5); c.2318T>C, p.Phe773Ser (NM_001127899.4); c.2168T>C, p.Phe723Ser (NM_001282163.2); c.2330T>C, p.Phe777Ser (NM_001440756.1, NM_001440757.1); short protein forms F703S, F723S, F773S, F777S.
Identifiers: ClinVar variation 4847887 (VCV004847887.1).

ClinVar aggregate classification (germline): Uncertain significance (1 of 4 stars; one submission).

gnomAD v4.1: 1 of 1,209,585 alleles (0.000083%); highest among the groups gnomAD compares: African/African-American, 0.0018%; no homozygotes.

Submission:

Women's Health and Genetics/Laboratory Corporation of America, LabCorp
Classification: Uncertain significance. Last evaluated: 2026-02-11. Review status: criteria provided, single submitter. Criteria: LabCorp Variant Classification Summary - May 2015. Collection method: clinical testing. Allele origin: germline.
Comment: Variant summary: CLCN5 c.2108T>C (p.Phe703Ser) results in a non-conservative amino acid change in the encoded protein sequence. Algorithms developed to predict the effect of missense changes on protein structure and function all suggest that this variant is likely to be disruptive. The variant was absent in 183101 control chromosomes. The available data on variant occurrences in the general population are insufficient to allow any conclusion about variant significance. c.2108T>C has been observed in at least one hemizygous individual affected with Dent Disease (e.g. Sekine_2014). These data do not allow any conclusion about variant significance. To our knowledge, no experimental evidence demonstrating an impact on protein function has been reported. The following publication has been ascertained in the context of this evaluation (PMID: 24081861). No submitters have cited clinical-significance assessments for this variant to ClinVar. Based on the evidence outlined above, the variant was classified as uncertain significance.

Literature cited by the submitters: PubMed 24081861.